The following is an entry in ClinVar:

NM_001098511.3(KIF2A):c.461G>A (p.Arg154His)

Gene: KIF2A (kinesin family member 2A; plus strand). Cytogenetic location: 5q12.1.
Variant type: single nucleotide variant.
Coding change: c.461G>A on transcript NM_001098511.3 (MANE Select); coding-DNA position 461, G replaced by A.
Protein change: p.Arg154His; replaces arginine 154 with histidine.
Molecular consequence: missense variant.
Genome position (GRCh38, 1-based): chr5:62,353,278, G>A. VCF-style: chr5-62353278-G-A. GRCh37 (hg19) VCF-style: chr5-61649105-G-A.
Other names: c.380G>A, p.Arg127His (NM_001243952.2); c.404G>A, p.Arg135His (NM_001243953.2); c.461G>A, p.Arg154His (NM_004520.5); short protein forms R127H, R135H, R154H.
Identifiers: ClinVar variation 1676416 (VCV001676416.5), dbSNP rs1219221959, ClinGen allele CA359949078.

ClinVar aggregate classification (germline): Uncertain significance. Review status: criteria provided, multiple submitters, no conflicts (2 of 4 stars). 2 submissions from 2 submitters: Uncertain significance (2). Last evaluated 2022-09-01.

gnomAD v4.1: 13 of 1,538,786 alleles (0.00084%); highest among the groups gnomAD compares: African/African-American, 0.0028%; no homozygotes.

Submissions (2):

Labcorp Genetics (formerly Invitae), Labcorp
Classification: Uncertain significance. Last evaluated: 2022-09-01. Review status: criteria provided, single submitter. Criteria: Invitae Variant Classification Sherloc (09022015). Collection method: clinical testing. Allele origin: germline.
Comment: In summary, the available evidence is currently insufficient to determine the role of this variant in disease. Therefore, it has been classified as a Variant of Uncertain Significance. Algorithms developed to predict the effect of missense changes on protein structure and function are either unavailable or do not agree on the potential impact of this missense change (SIFT: "Tolerated"; PolyPhen-2: "Possibly Damaging"; Align-GVGD: "Class C0"). ClinVar contains an entry for this variant (Variation ID: 1676416). This variant has not been reported in the literature in individuals affected with KIF2A-related conditions. The frequency data for this variant in the population databases is considered unreliable, as metrics indicate poor data quality at this position in the gnomAD database. This sequence change replaces arginine, which is basic and polar, with histidine, which is basic and polar, at codon 154 of the KIF2A protein (p.Arg154His).

GeneDx
Classification: Uncertain significance. Last evaluated: 2021-10-08. Review status: criteria provided, single submitter. Criteria: GeneDx Variant Classification Process June 2021. Collection method: clinical testing. Allele origin: germline. Affected: yes.
Comment: In silico analysis supports that this missense variant has a deleterious effect on protein structure/function; Has not been previously published as pathogenic or benign to our knowledge